The following is an entry in ClinVar:

ClinVar aggregate classification (germline): Pathogenic (1 of 4 stars; one submission).

Submission:

Labcorp Genetics (formerly Invitae), Labcorp
Classification: Pathogenic. Last evaluated: 2024-01-03. Review status: criteria provided, single submitter. Criteria: Invitae Variant Classification Sherloc (09022015). Collection method: clinical testing. Allele origin: germline.
Comment: This sequence change creates a premature translational stop signal (p.Tyr105*) in the ADGRG1 gene. It is expected to result in an absent or disrupted protein product. Loss-of-function variants in ADGRG1 are known to be pathogenic (PMID: 15044805, 20929962). This variant is not present in population databases (gnomAD no frequency). This variant has not been reported in the literature in individuals affected with ADGRG1-related conditions. For these reasons, this variant has been classified as Pathogenic.

Literature cited by the submitters: PubMed 15044805; PubMed 20929962.

NM_201525.4(ADGRG1):c.315T>G (p.Tyr105Ter)

Gene: ADGRG1 (adhesion G protein-coupled receptor G1; plus strand). Cytogenetic location: 16q21.
Variant type: single nucleotide variant.
Coding change: c.315T>G on transcript NM_201525.4 (MANE Select); coding-DNA position 315, T replaced by G.
Protein change: p.Tyr105Ter; replaces tyrosine 105 with a stop codon.
Molecular consequence: nonsense. On other transcripts: 5 prime UTR variant (5), intron variant (1).
Genome position (GRCh38, 1-based): chr16:57,651,450, T>G. VCF-style: chr16-57651450-T-G. GRCh37 (hg19) VCF-style: chr16-57685362-T-G.
Other names: c.315T>G, p.Tyr105Ter (NM_001145770.3, NM_001145771.3, NM_001145772.3 and 16 more transcripts); c.330T>G, p.Tyr110Ter (NM_001145773.3, NM_001370433.1); c.-211T>G (NM_001290143.2, NM_001290144.2, NM_001370451.1 and 2 more transcripts); c.159T>G, p.Tyr53Ter (NM_001370442.1); c.110+205T>G (NM_001290142.2); short protein forms Y53*, Y105*, Y110*.
Identifiers: ClinVar variation 2707147 (VCV002707147.3), dbSNP rs2148238576, ClinGen allele CA396043149.